The following is an entry in ClinVar:

ClinVar aggregate classification (germline): Likely pathogenic. Review status: criteria provided, single submitter (1 of 4 stars). 2 submissions from 2 submitters: Likely pathogenic (1). 1 of the submissions does not count toward it. Last evaluated 2025-09-15.

Conditions:
Gaucher disease. Also called: Acute cerebral Gaucher disease; Cerebroside lipidosis syndrome; Gaucher splenomegaly; Sphingolipidosis 1; Glucocerebrosidosis; Glucosylceramidase deficiency. Identifiers: Orphanet 355, MedGen C0017205, MONDO:0018150.
Gaucher disease type I (GD1). Also called: GD 1; GAUCHER DISEASE, NONCEREBRAL JUVENILE; GBA DEFICIENCY; GD I; GLUCOCEREBROSIDASE DEFICIENCY; ACID BETA-GLUCOSIDASE DEFICIENCY. Identifiers: Orphanet 355, Orphanet 77259, MedGen C1961835, MONDO:0009265, OMIM 230800.

Submissions (2):

Natera, Inc.
Classification: Likely pathogenic for Gaucher disease. Last evaluated: 2025-09-15. Review status: criteria provided, single submitter. Criteria: Natera Variant Classification Schema (03/2026). Collection method: clinical testing. Allele origin: germline.
Comment: The c.481C>T variant in GBA1 is a missense variant predicted to cause substitution of proline to serine at amino acid 161. This variant is rare in the general population with a frequency below the threshold expected for the associated phenotype(s). This variant has been observed in one or more individuals affected with the associated recessive disease, as either homozygous or compound heterozygous with a second variant (PMID: 11708865, 31719137, 8432537). Additionally, this variant has been observed to segregate in affected family members (PMID: 11708865). Computational prediction algorithms indicate this variant is likely to affect gene or protein function. Given the available evidence, this variant is classified as Likely Pathogenic.

OMIM
Classification: Pathogenic for GAUCHER DISEASE, TYPE I. Last evaluated: 1993-06-15. Review status: no assertion criteria provided. Collection method: literature only. Allele origin: germline. Not counted in ClinVar's aggregate classification.

Literature cited by the submitters: PubMed 11708865 (cited by Natera, Inc.); PubMed 31719137 (cited by Natera, Inc.); PubMed 8432537 (cited by Natera, Inc.); PubMed 8516282 (cited by OMIM).

NM_000157.4(GBA1):c.481C>T (p.Pro161Ser)

Genes: GBA1 (glucosylceramidase beta 1; minus strand), LOC106627981 (GBA recombination region; plus strand). Cytogenetic location: 1q22.
Variant type: single nucleotide variant.
Coding change: c.481C>T on transcript NM_000157.4 (MANE Select); coding-DNA position 481, C replaced by T.
Protein change: p.Pro161Ser; replaces proline 161 with serine.
Molecular consequence: missense variant.
Genome position (GRCh38, 1-based): chr1:155,238,624, G>A on the plus strand (C>T on the coding strand, the complement: GBA1 is on the minus strand). VCF-style: chr1-155238624-G-A. GRCh37 (hg19) VCF-style: chr1-155208415-G-A.
Other names: P122S; c.481C>T, p.Pro161Ser (NM_001005741.3, NM_001005742.3); c.220C>T, p.Pro74Ser (NM_001171811.2); c.334C>T, p.Pro112Ser (NM_001171812.2); c.481C>T (NM_000157.3); short protein forms P161S, P112S, P74S.
Identifiers: ClinVar variation 4308 (VCV000004308.3), dbSNP rs121908299, ClinGen allele CA253077.